The following is an entry in ClinVar:

NM_172364.5(CACNA2D4):c.445G>A (p.Glu149Lys)

Gene: CACNA2D4 (calcium voltage-gated channel auxiliary subunit alpha2delta 4; minus strand). Cytogenetic location: 12p13.33.
Variant type: single nucleotide variant.
Coding change: c.445G>A on transcript NM_172364.5 (MANE Select); coding-DNA position 445, G replaced by A.
Protein change: p.Glu149Lys; replaces glutamic acid 149 with lysine.
Molecular consequence: missense variant.
Genome position (GRCh38, 1-based): chr12:1,909,947, C>T on the plus strand (G>A on the coding strand, the complement: CACNA2D4 is on the minus strand). VCF-style: chr12-1909947-C-T. GRCh37 (hg19) VCF-style: chr12-2019113-C-T.
Other names: c.445G>A (NM_172364.4); short protein forms E149K.
Identifiers: ClinVar variation 1913946 (VCV001913946.7), dbSNP rs756285159, ClinGen allele CA6387523.

ClinVar aggregate classification (germline): Uncertain significance. Review status: criteria provided, multiple submitters, no conflicts (2 of 4 stars). 3 submissions from 3 submitters: Uncertain significance (3). Last evaluated 2025-08-24.

Conditions:
Inborn genetic diseases. Identifiers: MedGen C0950123, MeSH D030342.

Allele frequency attached by ClinVar (database versions not stated): ExAC 0.00002.
gnomAD v4.1: 22 of 1,613,760 alleles (0.0014%); highest among the groups gnomAD compares: East Asian, 0.0089%; no homozygotes.

Submissions (3):

Ambry Genetics
Classification: Uncertain significance for Inborn genetic diseases. Last evaluated: 2025-08-24. Review status: criteria provided, single submitter. Criteria: Ambry Variant Classification Scheme 2023. Collection method: clinical testing. Allele origin: germline.

Blueprint Genetics
Classification: Uncertain significance. Last evaluated: 2022-09-30. Review status: criteria provided, single submitter. Criteria: ACMG Guidelines, 2015. Collection method: clinical testing. Allele origin: germline.

Labcorp Genetics (formerly Invitae), Labcorp
Classification: Uncertain significance. Last evaluated: 2022-08-12. Review status: criteria provided, single submitter. Criteria: Invitae Variant Classification Sherloc (09022015). Collection method: clinical testing. Allele origin: germline.
Comment: This sequence change replaces glutamic acid, which is acidic and polar, with lysine, which is basic and polar, at codon 149 of the CACNA2D4 protein (p.Glu149Lys). This variant is present in population databases (rs756285159, gnomAD 0.003%). This variant has not been reported in the literature in individuals affected with CACNA2D4-related conditions. Algorithms developed to predict the effect of missense changes on protein structure and function are either unavailable or do not agree on the potential impact of this missense change (SIFT: "Deleterious"; PolyPhen-2: "Probably Damaging"; Align-GVGD: "Class C0"). In summary, the available evidence is currently insufficient to determine the role of this variant in disease. Therefore, it has been classified as a Variant of Uncertain Significance.